The following is an entry in ClinVar:

NM_001005242.3(PKP2):c.1737A>G (p.Pro579=)

Gene: PKP2 (plakophilin 2; minus strand). Cytogenetic location: 12p11.21.
Variant type: single nucleotide variant.
Coding change: c.1737A>G on transcript NM_001005242.3 (MANE Select); coding-DNA position 1737, A replaced by G.
Protein change: p.Pro579=; no amino-acid change (proline 579 retained).
Molecular consequence: synonymous variant.
Genome position (GRCh38, 1-based): chr12:32,822,569, T>C on the plus strand (A>G on the coding strand, the complement: PKP2 is on the minus strand). VCF-style: chr12-32822569-T-C. GRCh37 (hg19) VCF-style: chr12-32975503-T-C.
Other names: c.1869A>G, p.Pro623= (NM_004572.4).
Identifiers: ClinVar variation 918205 (VCV000918205.7), dbSNP rs766498974, ClinGen allele CA235238801.

ClinVar aggregate classification (germline): Likely benign. Review status: criteria provided, multiple submitters, no conflicts (2 of 4 stars). 3 submissions from 3 submitters: Likely benign (3). Last evaluated 2023-10-02.

Conditions:
Arrhythmogenic right ventricular cardiomyopathy (ARVD). Also called: Arrhythmogenic cardiomyopathy; Cardiomyopathy, ARVC; Arrhythmogenic right ventricular dysplasia; Arrhythmogenic Right Ventricular Cardiomyopathy (ARVC). Identifiers: Orphanet 247, MedGen C0349788, MeSH D019571, MONDO:0016587. Disease mechanism: loss of function. Inheritance: Various modes of inheritance.
Cardiomyopathy (CMYO). Also called: Cardiomyopathies. Identifiers: Orphanet 167848, MedGen C0878544, MONDO:0004994, HP:0001638. Inheritance: Various modes of inheritance.
Arrhythmogenic right ventricular dysplasia 9 (ARVD9). Also called: Arrhythmogenic Right Ventricular Dysplasia/Cardiomyopathy 9; ARRHYTHMOGENIC RIGHT VENTRICULAR DYSPLASIA, FAMILIAL, 9. Identifiers: MedGen C1836906, MONDO:0012180, OMIM 609040.

gnomAD v4.1: 7 of 1,614,142 alleles (0.00043%); highest among the groups gnomAD compares: Non-Finnish European, 0.00059%; no homozygotes.

Submissions (3):

All of Us Research Program, National Institutes of Health
Classification: Likely benign for Arrhythmogenic right ventricular cardiomyopathy. Last evaluated: 2023-10-02. Review status: criteria provided, single submitter. Criteria: ACMG Guidelines, 2015. Collection method: clinical testing. Allele origin: germline. Inheritance: Autosomal dominant inheritance. Observed: 1 variant allele, 1 heterozygote.
Comment: This study involves interpretation of variants in research participants for the purpose of population health screening. Participant phenotype was not available at the time of variant classification. Additional details can be found in publication PMID: 35346344, PMCID: PMC8962531

Labcorp Genetics (formerly Invitae), Labcorp
Classification: Likely benign for Arrhythmogenic right ventricular dysplasia 9. Last evaluated: 2022-07-13. Review status: criteria provided, single submitter. Criteria: Invitae Variant Classification Sherloc (09022015). Collection method: clinical testing. Allele origin: germline.

Color Diagnostics, LLC DBA Color Health
Classification: Likely benign for Cardiomyopathy. Last evaluated: 2019-07-15. Review status: criteria provided, single submitter. Criteria: ACMG Guidelines, 2015. Collection method: clinical testing. Allele origin: germline.